The following is an entry in ClinVar:

ClinVar aggregate classification (germline): Uncertain significance. Review status: criteria provided, multiple submitters, no conflicts (2 of 4 stars). 3 submissions from 3 submitters: Uncertain significance (3). Last evaluated 2025-11-23.

Conditions:
Inborn genetic diseases. Identifiers: MedGen C0950123, MeSH D030342.
Skeletal overgrowth-craniofacial dysmorphism-hyperelastic skin-white matter lesions syndrome. Also called: SKELETAL OVERGROWTH WITH FACIAL DYSMORPHISM, HYPERELASTIC SKIN, WHITE MATTER LESIONS, AND NEUROLOGIC DETERIORATION; Kosaki overgrowth syndrome. Identifiers: Orphanet 477831, MedGen C4225270, MONDO:0014704, OMIM 616592.
Basal ganglia calcification, idiopathic, 4 (PFBC4). Also called: Familial Idiopathic Basal Ganglia Calcification 4; PRIMARY FAMILIAL BRAIN CALCIFICATION 4, AUTOSOMAL DOMINANT. Identifiers: Orphanet 1980, MedGen C3554321, MONDO:0014004, OMIM 615007.
Acroosteolysis-keloid-like lesions-premature aging syndrome. Also called: Premature aging syndrome, Penttinen type; Prematurely aged appearance, delayed bone maturation, acro-osteolysis, and brachydactyly; Progeroid syndrome, Penttinen type. Identifiers: Orphanet 363665, MedGen C1866182, MONDO:0011150, OMIM 601812.
Infantile myofibromatosis (IMF). Also called: Congenital generalized fibromatosis. Identifiers: Orphanet 2591, MedGen C0432284, MONDO:0016824.

Allele frequency attached by ClinVar (database versions not stated): gnomAD 0.00001; ExAC 0.00003.
gnomAD v4.1: 18 of 1,613,236 alleles (0.0011%); highest among the groups gnomAD compares: Middle Eastern, 0.017%; no homozygotes.

Submissions (3):

Ambry Genetics
Classification: Uncertain significance for Inborn genetic diseases. Last evaluated: 2025-11-23. Review status: criteria provided, single submitter. Criteria: Ambry Variant Classification Scheme 2023. Collection method: clinical testing. Allele origin: germline.

Labcorp Genetics (formerly Invitae), Labcorp
Classification: Uncertain significance for Basal ganglia calcification, idiopathic, 4; Skeletal overgrowth-craniofacial dysmorphism-hyperelastic skin-white matter lesions syndrome; Infantile myofibromatosis; Acroosteolysis-keloid-like lesions-premature aging syndrome. Last evaluated: 2025-09-22. Review status: criteria provided, single submitter. Criteria: Invitae Variant Classification Sherloc (09022015). Collection method: clinical testing. Allele origin: germline.
Comment: This sequence change replaces valine, which is neutral and non-polar, with isoleucine, which is neutral and non-polar, at codon 51 of the PDGFRB protein (p.Val51Ile). This variant is present in population databases (rs761086433, gnomAD 0.003%). This variant has not been reported in the literature in individuals affected with PDGFRB-related conditions. ClinVar contains an entry for this variant (Variation ID: 2673033). Invitae Evidence Modeling of protein sequence and biophysical properties (such as structural, functional, and spatial information, amino acid conservation, physicochemical variation, residue mobility, and thermodynamic stability) indicates that this missense variant is not expected to disrupt PDGFRB protein function with a negative predictive value of 80%. In summary, the available evidence is currently insufficient to determine the role of this variant in disease. Therefore, it has been classified as a Variant of Uncertain Significance.

CeGaT Center for Human Genetics Tuebingen
Classification: Uncertain significance. Last evaluated: 2023-11-01. Review status: criteria provided, single submitter. Criteria: CeGaT Center For Human Genetics Tuebingen Variant Classification Criteria Version 2. Collection method: clinical testing. Allele origin: germline. Affected: yes. Observed: 1 variant allele.
Comment: PDGFRB: PM2, BP4

NM_002609.4(PDGFRB):c.151G>A (p.Val51Ile)

Gene: PDGFRB (platelet derived growth factor receptor beta; minus strand). Cytogenetic location: 5q32.
Variant type: single nucleotide variant.
Coding change: c.151G>A on transcript NM_002609.4 (MANE Select); coding-DNA position 151, G replaced by A.
Protein change: p.Val51Ile; replaces valine 51 with isoleucine.
Molecular consequence: missense variant. On other transcripts: 5 prime UTR variant (2).
Genome position (GRCh38, 1-based): chr5:150,135,768, C>T on the plus strand (G>A on the coding strand, the complement: PDGFRB is on the minus strand). VCF-style: chr5-150135768-C-T. GRCh37 (hg19) VCF-style: chr5-149515331-C-T.
Other names: c.-42G>A (NM_001355016.2); c.-367G>A (NM_001355017.2); c.151G>A (NM_002609.3); short protein forms V51I.
Identifiers: ClinVar variation 2673033 (VCV002673033.24), dbSNP rs761086433, ClinGen allele CA3508397.
Genomic context (GRCh38, chr5:150,135,768, plus strand): 5'-GTGGGGGCTCCTGGGACATCCGTTCCCACACCACCGGAGCTGAACCCGAGCAGGTCAGAA[C>T]GAAGGTGCTGGAGACATTGAGGACAAGCTCTGGCCCCGGGGGTGTGACGACCAGGCCCTG-3'
Protein context (NP_002600.1, residues 41-61): ELVLNVSSTF[Val51Ile]LTCSGSAPVV